The following is an entry in ClinVar:

ClinVar aggregate classification (germline): Uncertain significance (1 of 4 stars; one submission).

Allele frequency attached by ClinVar (database versions not stated): gnomAD exomes below 0.00001.
gnomAD v4.1: 1 of 1,614,184 alleles (0.000062%); highest among the groups gnomAD compares: Non-Finnish European, 0.000085%; no homozygotes.

Submission:

Greenwood Genetic Center Diagnostic Laboratories, Greenwood Genetic Center
Classification: Uncertain significance. Last evaluated: 2024-01-22. Review status: criteria provided, single submitter. Criteria: ACMG Guidelines, 2015. Collection method: clinical testing. Allele origin: germline. Affected: yes.
Comment: Gene of Uncertain Significance

NM_006289.4(TLN1):c.6371A>G (p.Asn2124Ser)

Gene: TLN1 (talin 1; minus strand). Cytogenetic location: 9p13.3.
Variant type: single nucleotide variant.
Coding change: c.6371A>G on transcript NM_006289.4 (MANE Select); coding-DNA position 6371, A replaced by G.
Protein change: p.Asn2124Ser; replaces asparagine 2124 with serine.
Molecular consequence: missense variant.
Genome position (GRCh38, 1-based): chr9:35,703,663, T>C on the plus strand (A>G on the coding strand, the complement: TLN1 is on the minus strand). VCF-style: chr9-35703663-T-C. GRCh37 (hg19) VCF-style: chr9-35703660-T-C.
Other names: short protein forms N2124S.
Identifiers: ClinVar variation 3235845 (VCV003235845.1), dbSNP rs2490736547, ClinGen allele CA373380726.